The following is an entry in ClinVar:

NM_005392.4(PHF2):c.789+10G>A

Gene: PHF2 (PHD finger protein 2; plus strand). Cytogenetic location: 9q22.31.
Variant type: single nucleotide variant.
Coding change: c.789+10G>A on transcript NM_005392.4 (MANE Select); 10 bases into the intron after coding-DNA position 789, G replaced by A.
Molecular consequence: intron variant.
Genome position (GRCh38, 1-based): chr9:93,653,375, G>A. VCF-style: chr9-93653375-G-A. GRCh37 (hg19) VCF-style: chr9-96415657-G-A.
Identifiers: ClinVar variation 791301 (VCV000791301.8), dbSNP rs79775104, ClinGen allele CA5132460.

ClinVar aggregate classification (germline): Benign/Likely benign. Review status: criteria provided, multiple submitters, no conflicts (2 of 4 stars). 4 submissions from 4 submitters: Benign (2); Likely benign (1). 1 of the submissions does not count toward it. Last evaluated 2025-08-18.

Conditions:
PHF2-related disorder. Also called: PHF2-related condition.

Allele frequency attached by ClinVar (database versions not stated): gnomAD 0.00708 and 0.00645; TOPMed 0.00747; ESP Exome Variant Server 0.00807; gnomAD exomes 0.00186; ExAC 0.00207; 1000 Genomes Project 30x 0.00625; 1000 Genomes Project 0.00659.
gnomAD v4.1: 2,194 of 1,611,790 alleles (0.14%); highest among the groups gnomAD compares: African/African-American, 2.2%; 17 homozygotes.

Submissions (4):

Genomic Medicine Center of Excellence, King Faisal Specialist Hospital and Research Centre
Classification: Likely benign. Last evaluated: 2025-08-18. Review status: criteria provided, single submitter. Criteria: ACMG Guidelines, 2015. Collection method: clinical testing. Allele origin: germline.

Labcorp Genetics (formerly Invitae), Labcorp
Classification: Benign. Last evaluated: 2019-12-31. Review status: criteria provided, single submitter. Criteria: Invitae Variant Classification Sherloc (09022015). Collection method: clinical testing. Allele origin: germline.

Breakthrough Genomics
Classification: Benign. Review status: criteria provided, single submitter. Criteria: ACMG Guidelines, 2015. Collection method: not provided. Allele origin: germline. Inheritance: Unknown mechanism. Affected: yes.

PreventionGenetics, part of Exact Sciences
Classification: Likely benign for PHF2-related condition. Last evaluated: 2020-01-03. Review status: no assertion criteria provided. Collection method: clinical testing. Allele origin: germline. Not counted in ClinVar's aggregate classification.
Comment: This variant is classified as likely benign based on ACMG/AMP sequence variant interpretation guidelines (Richards et al. 2015 PMID: 25741868, with internal and published modifications).